The following is an entry in ClinVar:

NM_000219.6(KCNE1):c.137A>T (p.Tyr46Phe)

Gene: KCNE1 (potassium voltage-gated channel subfamily E regulatory subunit 1; minus strand). Cytogenetic location: 21q22.12.
Variant type: single nucleotide variant.
Coding change: c.137A>T on transcript NM_000219.6 (MANE Select); coding-DNA position 137, A replaced by T.
Protein change: p.Tyr46Phe; replaces tyrosine 46 with phenylalanine.
Molecular consequence: missense variant.
Genome position (GRCh38, 1-based): chr21:34,449,498, T>A on the plus strand (A>T on the coding strand, the complement: KCNE1 is on the minus strand). VCF-style: chr21-34449498-T-A. GRCh37 (hg19) VCF-style: chr21-35821796-T-A.
Other names: c.137A>T, p.Tyr46Phe (NM_001127668.4, NM_001127669.4, NM_001127670.4 and 4 more transcripts); short protein forms Y46F.
Identifiers: ClinVar variation 3374147 (VCV003374147.2).

Conditions:
Long QT syndrome 5 (LQT5). Identifiers: Orphanet 101016, Orphanet 768, MedGen C1867904, MONDO:0013372, OMIM 613695.

Submission:

Roden Lab, Vanderbilt University Medical Center
No classification provided (evidence only). Condition: Long QT syndrome 5. Review status: no classification provided. Collection method: in vitro. Allele origin: not applicable. Functional consequence: Effect on ion channel function.
ClinVar note: "not provided" was previously submitted as the classification for the variant. However, the classification appeared to be based only on an observation of functional data so it was converted to no classification on 2025-07-30.